The following is an entry in ClinVar:

ClinVar aggregate classification (germline): Uncertain significance (1 of 4 stars; one submission).

Conditions:
Aicardi-Goutieres syndrome 7 (AGS7). Identifiers: Orphanet 51, MedGen C3888244, MONDO:0014367, OMIM 615846.
Singleton-Merten syndrome 1 (SGMRT1). Also called: Widened medullary cavities of bone, aortic calcification, abnormal dentition, and muscular weakness; Syndrome of widened medullary cavities of the metacarpals and phalanges, aortic calcification and abnormal dentition. Identifiers: Orphanet 85191, MedGen C4225427, MONDO:0024535, OMIM 182250.

Submission:

Labcorp Genetics (formerly Invitae), Labcorp
Classification: Uncertain significance for Aicardi-Goutieres syndrome 7; Singleton-Merten syndrome 1. Last evaluated: 2024-06-05. Review status: criteria provided, single submitter. Criteria: Invitae Variant Classification Sherloc (09022015). Collection method: clinical testing. Allele origin: germline.
Comment: This sequence change replaces isoleucine, which is neutral and non-polar, with threonine, which is neutral and polar, at codon 409 of the IFIH1 protein (p.Ile409Thr). This variant is not present in population databases (gnomAD no frequency). This variant has not been reported in the literature in individuals affected with IFIH1-related conditions. Advanced modeling of protein sequence and biophysical properties (such as structural, functional, and spatial information, amino acid conservation, physicochemical variation, residue mobility, and thermodynamic stability) has been performed at Invitae for this missense variant, however the output from this modeling did not meet the statistical confidence thresholds required to predict the impact of this variant on IFIH1 protein function. In summary, the available evidence is currently insufficient to determine the role of this variant in disease. Therefore, it has been classified as a Variant of Uncertain Significance.

NM_022168.4(IFIH1):c.1226T>C (p.Ile409Thr)

Gene: IFIH1 (interferon induced with helicase C domain 1; minus strand). Cytogenetic location: 2q24.2.
Variant type: single nucleotide variant.
Coding change: c.1226T>C on transcript NM_022168.4 (MANE Select); coding-DNA position 1226, T replaced by C.
Protein change: p.Ile409Thr; replaces isoleucine 409 with threonine.
Molecular consequence: missense variant.
Genome position (GRCh38, 1-based): chr2:162,282,446, A>G on the plus strand (T>C on the coding strand, the complement: IFIH1 is on the minus strand). VCF-style: chr2-162282446-A-G. GRCh37 (hg19) VCF-style: chr2-163138956-A-G.
Other names: short protein forms I409T.
Identifiers: ClinVar variation 3763016 (VCV003763016.2).